The following is an entry in ClinVar:

ClinVar aggregate classification (germline): Likely benign. Review status: criteria provided, multiple submitters, no conflicts (2 of 4 stars). 3 submissions from 3 submitters: Likely benign (3). Last evaluated 2024-05-14.

Conditions:
Familial thoracic aortic aneurysm and aortic dissection (TAAD). Also called: Thoracic aortic aneurysms and dissections. Identifiers: Orphanet 91387, MedGen C4707243, MONDO:0019625.
Aortic aneurysm, familial thoracic 4 (AAT4). Also called: AORTIC ANEURYSM/AORTIC DISSECTION AND PATENT DUCTUS ARTERIOSUS. Identifiers: MedGen C1851504, MONDO:0007568, OMIM 132900.

Allele frequency attached by ClinVar (database versions not stated): gnomAD exomes below 0.00001; gnomAD 0.00001; TOPMed 0.00002.
gnomAD v4.1: 3 of 1,614,100 alleles (0.00019%); highest among the groups gnomAD compares: Non-Finnish European, 0.00025%; no homozygotes.

Submissions (3):

All of Us Research Program, National Institutes of Health
Classification: Likely benign for Familial thoracic aortic aneurysm and aortic dissection. Last evaluated: 2024-05-14. Review status: criteria provided, single submitter. Criteria: ACMG Guidelines, 2015. Collection method: clinical testing. Allele origin: germline. Inheritance: Autosomal dominant inheritance. Observed: 1 variant allele, 1 heterozygote.
Comment: This study involves interpretation of variants in research participants for the purpose of population health screening. Participant phenotype was not available at the time of variant classification. Additional details can be found in publication PMID: 35346344, PMCID: PMC8962531

Labcorp Genetics (formerly Invitae), Labcorp
Classification: Likely benign for Aortic aneurysm, familial thoracic 4. Last evaluated: 2023-05-02. Review status: criteria provided, single submitter. Criteria: Invitae Variant Classification Sherloc (09022015). Collection method: clinical testing. Allele origin: germline.

Color Diagnostics, LLC DBA Color Health
Classification: Likely benign for Familial thoracic aortic aneurysm and aortic dissection. Last evaluated: 2019-06-22. Review status: criteria provided, single submitter. Criteria: ACMG Guidelines, 2015. Collection method: clinical testing. Allele origin: germline.

NM_002474.3(MYH11):c.2628G>A (p.Lys876=)

Gene: MYH11 (myosin heavy chain 11; minus strand). Cytogenetic location: 16p13.11.
Variant type: single nucleotide variant.
Coding change: c.2628G>A on transcript NM_002474.3 (MANE Select); coding-DNA position 2628, G replaced by A.
Protein change: p.Lys876=; no amino-acid change (lysine 876 retained).
Molecular consequence: synonymous variant.
Genome position (GRCh38, 1-based): chr16:15,741,784, C>T on the plus strand (G>A on the coding strand, the complement: MYH11 is on the minus strand). VCF-style: chr16-15741784-C-T. GRCh37 (hg19) VCF-style: chr16-15835641-C-T.
Other names: c.2649G>A, p.Lys883= (NM_001040113.2, NM_001040114.2); c.2628G>A, p.Lys876= (NM_022844.3).
Identifiers: ClinVar variation 924192 (VCV000924192.6), dbSNP rs1419915151, ClinGen allele CA493790923.